The following is an entry in ClinVar:

NM_017946.4(FKBP14):c.580G>A (p.Asp194Asn)

Genes: FKBP14-AS1 (FKBP14 antisense RNA 1; plus strand), FKBP14 (FKBP prolyl isomerase 14; minus strand). Cytogenetic location: 7p14.3.
Variant type: single nucleotide variant.
Coding change: c.580G>A on transcript NM_017946.4 (MANE Select); coding-DNA position 580, G replaced by A.
Protein change: p.Asp194Asn; replaces aspartic acid 194 with asparagine.
Molecular consequence: missense variant. On other transcripts: non-coding transcript variant (2).
Genome position (GRCh38, 1-based): chr7:30,014,791, C>T on the plus strand (G>A on the coding strand, the complement: FKBP14 is on the minus strand). VCF-style: chr7-30014791-C-T. GRCh37 (hg19) VCF-style: chr7-30054407-C-T.
Other names: c.580G>A (NM_017946.2); short protein forms D194N.
Identifiers: ClinVar variation 568303 (VCV000568303.6), dbSNP rs1439447377, ClinGen allele CA367116236.

ClinVar aggregate classification (germline): Uncertain significance. Review status: criteria provided, multiple submitters, no conflicts (2 of 4 stars). 2 submissions from 2 submitters: Uncertain significance (2). Last evaluated 2025-05-25.

Conditions:
Cardiovascular phenotype. Identifiers: MedGen CN230736.
Ehlers-Danlos syndrome, kyphoscoliotic type, 2. Also called: Ehlers-Danlos syndrome with progressive kyphoscoliosis, myopathy, and hearing loss; Ehlers-Danlos syndrome, kyphoscoliotic and deafness type; FKBP14-Kyphoscoliotic Ehlers-Danlos Syndrome. Identifiers: Orphanet 300179, MedGen C3281160, MONDO:0013800, OMIM 614557.

Allele frequency attached by ClinVar (database versions not stated): gnomAD exomes below 0.00001; TOPMed 0.00002.
gnomAD v4.1: 2 of 1,611,040 alleles (0.00012%); highest among the groups gnomAD compares: Non-Finnish European, 0.000085%; no homozygotes.

Submissions (2):

Ambry Genetics
Classification: Uncertain significance for Cardiovascular phenotype. Last evaluated: 2025-05-25. Review status: criteria provided, single submitter. Criteria: Ambry Variant Classification Scheme 2023. Collection method: clinical testing. Allele origin: germline.

Labcorp Genetics (formerly Invitae), Labcorp
Classification: Uncertain significance for Ehlers-Danlos syndrome, kyphoscoliotic type, 2. Last evaluated: 2022-11-28. Review status: criteria provided, single submitter. Criteria: Invitae Variant Classification Sherloc (09022015). Collection method: clinical testing. Allele origin: germline.
Comment: In summary, the available evidence is currently insufficient to determine the role of this variant in disease. Therefore, it has been classified as a Variant of Uncertain Significance. Algorithms developed to predict the effect of missense changes on protein structure and function are either unavailable or do not agree on the potential impact of this missense change (SIFT: "Deleterious"; PolyPhen-2: "Benign"; Align-GVGD: "Class C0"). ClinVar contains an entry for this variant (Variation ID: 568303). This variant has not been reported in the literature in individuals affected with FKBP14-related conditions. This variant is not present in population databases (gnomAD no frequency). This sequence change replaces aspartic acid, which is acidic and polar, with asparagine, which is neutral and polar, at codon 194 of the FKBP14 protein (p.Asp194Asn).